The following is an entry in ClinVar:

ClinVar aggregate classification (germline): Uncertain significance (1 of 4 stars; one submission).

Conditions:
Disseminated atypical mycobacterial infection. Identifiers: MedGen C0694566.

Allele frequency attached by ClinVar (database versions not stated): TOPMed below 0.00001; gnomAD exomes 0.00001; ExAC 0.00002.
gnomAD v4.1: 3 of 1,614,162 alleles (0.00019%); highest among the groups gnomAD compares: Admixed American, 0.005%; no homozygotes.

Submission:

Labcorp Genetics (formerly Invitae), Labcorp
Classification: Uncertain significance for Disseminated atypical mycobacterial infection. Last evaluated: 2025-05-07. Review status: criteria provided, single submitter. Criteria: Invitae Variant Classification Sherloc (09022015). Collection method: clinical testing. Allele origin: germline.
Comment: This sequence change replaces serine, which is neutral and polar, with proline, which is neutral and non-polar, at codon 350 of the IFNGR1 protein (p.Ser350Pro). This variant is present in population databases (rs756766995, gnomAD 0.009%). This variant has not been reported in the literature in individuals affected with IFNGR1-related conditions. ClinVar contains an entry for this variant (Variation ID: 2155561). Invitae Evidence Modeling of protein sequence and biophysical properties (such as structural, functional, and spatial information, amino acid conservation, physicochemical variation, residue mobility, and thermodynamic stability) indicates that this missense variant is not expected to disrupt IFNGR1 protein function with a negative predictive value of 80%. In summary, the available evidence is currently insufficient to determine the role of this variant in disease. Therefore, it has been classified as a Variant of Uncertain Significance.

NM_000416.3(IFNGR1):c.1048T>C (p.Ser350Pro)

Gene: IFNGR1 (interferon gamma receptor 1; minus strand). Cytogenetic location: 6q23.3.
Variant type: single nucleotide variant.
Coding change: c.1048T>C on transcript NM_000416.3 (MANE Select); coding-DNA position 1048, T replaced by C.
Protein change: p.Ser350Pro; replaces serine 350 with proline.
Molecular consequence: missense variant.
Genome position (GRCh38, 1-based): chr6:137,198,453, A>G on the plus strand (T>C on the coding strand, the complement: IFNGR1 is on the minus strand). VCF-style: chr6-137198453-A-G. GRCh37 (hg19) VCF-style: chr6-137519590-A-G.
Other names: c.1018T>C, p.Ser340Pro (NM_001363526.1); c.925T>C, p.Ser309Pro (NM_001363527.1); short protein forms S340P, S350P, S309P.
Identifiers: ClinVar variation 2155561 (VCV002155561.4), dbSNP rs756766995, ClinGen allele CA4018824.